The following is an entry in ClinVar:

ClinVar aggregate classification (germline): Uncertain significance (1 of 4 stars; one submission).

Conditions:
Cardiovascular phenotype. Identifiers: MedGen CN230736.

Submission:

Ambry Genetics
Classification: Uncertain significance for Cardiovascular phenotype. Last evaluated: 2025-12-16. Review status: criteria provided, single submitter. Criteria: Ambry Variant Classification Scheme 2023. Collection method: clinical testing. Allele origin: germline.
Comment: The p.T2418R variant (also known as c.7253C>G), located in coding exon 20 of the TNXB gene, results from a C to G substitution at nucleotide position 7253. The threonine at codon 2418 is replaced by arginine, an amino acid with similar properties. This amino acid position is conserved. In addition, this alteration is predicted to be tolerated by in silico analysis. Based on the available evidence, the clinical significance of this variant remains unclear.

NM_001365276.2(TNXB):c.7253C>G (p.Thr2418Arg)

Gene: TNXB (tenascin XB; minus strand). Cytogenetic location: 6p21.33.
Variant type: single nucleotide variant.
Coding change: c.7253C>G on transcript NM_001365276.2 (MANE Select); coding-DNA position 7253, C replaced by G.
Protein change: p.Thr2418Arg; replaces threonine 2418 with arginine.
Molecular consequence: missense variant.
Genome position (GRCh38, 1-based): chr6:32,061,636, G>C on the plus strand (C>G on the coding strand, the complement: TNXB is on the minus strand). VCF-style: chr6-32061636-G-C. GRCh37 (hg19) VCF-style: chr6-32029413-G-C.
Other names: c.7253C>G, p.Thr2418Arg (NM_019105.8); c.7994C>G, p.Thr2665Arg (NM_001428335.1); short protein forms T2665R, T2418R.
Identifiers: ClinVar variation 4842857 (VCV004842857.1).